The following is an entry in ClinVar:

NM_021964.3(ZNF148):c.2183_2185del (p.Ser728del)

Genes: ZNF148 (zinc finger protein 148; minus strand), LOC126806798 (P300/CBP strongly-dependent group 1 enhancer GRCh37_chr3:124950809-124952008; plus strand). Cytogenetic location: 3q21.2.
Variant type: Deletion.
Coding change: c.2183_2185del on transcript NM_021964.3 (MANE Select); coding-DNA positions 2183 to 2185, 3 bases deleted (CCT; older notation c.2183_2185delCCT).
Protein change: p.Ser728del; deletes serine 728.
Molecular consequence: inframe deletion.
Genome position (GRCh38, 1-based): chr3:125,232,541-125,232,543, AGG deleted on the plus strand (CCT on the coding strand, the reverse complement: ZNF148 is on the minus strand); deleting any 3 consecutive bases within chr3:125,232,541-125,232,545 gives the same sequence; the c. name uses the placement nearest the transcript's 3' end. VCF-style (leftmost placement, unchanged base first): chr3-125232540-AAGG-A. GRCh37 (hg19) VCF-style: chr3-124951384-AAGG-A.
Other names: c.2183_2185del, p.Ser728del (NM_001348424.1, NM_001348425.2, NM_001348426.2 and 7 more transcripts); c.2057_2059del, p.Ser686del (NM_001348434.2); short protein forms S686del, S728del.
Identifiers: ClinVar variation 4976103 (VCV004976103.1).

ClinVar aggregate classification (germline): Uncertain significance (1 of 4 stars; one submission).

Submission:

GeneDx
Classification: Uncertain significance. Last evaluated: 2026-02-18. Review status: criteria provided, single submitter. Criteria: GeneDx Variant Classification Process June 2021. Collection method: clinical testing. Allele origin: germline.
Comment: In-frame deletion of 1 amino acid(s) in a non-repeat region; In silico analysis supports a deleterious effect on protein structure/function; Has not been previously published as pathogenic or benign to our knowledge